The following is an entry in ClinVar:

NM_033004.4(NLRP1):c.1916A>T (p.Asp639Val)

Gene: NLRP1 (NLR family pyrin domain containing 1; minus strand). Cytogenetic location: 17p13.2.
Variant type: single nucleotide variant.
Coding change: c.1916A>T on transcript NM_033004.4 (MANE Select); coding-DNA position 1916, A replaced by T.
Protein change: p.Asp639Val; replaces aspartic acid 639 with valine.
Molecular consequence: missense variant.
Genome position (GRCh38, 1-based): chr17:5,558,780, T>A on the plus strand (A>T on the coding strand, the complement: NLRP1 is on the minus strand). VCF-style: chr17-5558780-T-A. GRCh37 (hg19) VCF-style: chr17-5462100-T-A.
Other names: c.1916A>T, p.Asp639Val (NM_001033053.3, NM_014922.5, NM_033006.4 and 1 more transcripts); short protein forms D639V.
Identifiers: ClinVar variation 103015 (VCV000103015.2), dbSNP rs199475701, ClinGen allele CA018436.

ClinVar aggregate classification (germline): not provided (0 of 4 stars; one submission).

Allele frequency attached by ClinVar (database versions not stated): gnomAD 0.00001.
gnomAD v4.1: 1 of 1,614,066 alleles (0.000062%); highest among the groups gnomAD compares: African/African-American, 0.0013%; no homozygotes.

Submission:

Human Evolutionary Genetics, Institut Pasteur
No classification provided. Review status: no classification provided. Collection method: not provided. Allele origin: germline.
ClinVar note: Converted during submission from untested to not provided.